The following is an entry in ClinVar:

NM_001035.3(RYR2):c.3294C>T (p.Ala1098=)

Gene: RYR2 (ryanodine receptor 2; plus strand). Cytogenetic location: 1q43.
Variant type: single nucleotide variant.
Coding change: c.3294C>T on transcript NM_001035.3 (MANE Select); coding-DNA position 3294, C replaced by T.
Protein change: p.Ala1098=; no amino-acid change (alanine 1098 retained).
Molecular consequence: synonymous variant.
Genome position (GRCh38, 1-based): chr1:237,566,646, C>T. VCF-style: chr1-237566646-C-T. GRCh37 (hg19) VCF-style: chr1-237729946-C-T.
Other names: c.3294C>T, p.Ala1098= (LRG_402t1).
Identifiers: ClinVar variation 518660 (VCV000518660.12), dbSNP rs773622667, ClinGen allele CA086349.
Genomic context (GRCh38, chr1:237,566,646, plus strand): 5'-CAGCGGCACCGGGGAAAGGTTCCGAATCTTCCGTGCCGAGAAGACCTATGCAGTGAAGGC[C>T]GGACGGTGGTATTTTGAATTTGAGACGGTCACTGCTGGAGACATGAGGGTTGGTTGGAGT-3'
Protein context (NP_001026.2, residues 1088-1108): FRAEKTYAVK[Ala1098=]GRWYFEFETV

ClinVar aggregate classification (germline): Likely benign. Review status: criteria provided, multiple submitters, no conflicts (2 of 4 stars). 4 submissions from 4 submitters: Likely benign (4). Last evaluated 2025-11-06.

Conditions:
Cardiovascular phenotype. Identifiers: MedGen CN230736.
Catecholaminergic polymorphic ventricular tachycardia (CVPT). Also called: Catecholamine-induced polymorphic ventricular tachycardia. Identifiers: Orphanet 3286, MedGen C5574922, MONDO:0017990.
Cardiomyopathy (CMYO). Also called: Cardiomyopathies. Identifiers: Orphanet 167848, MedGen C0878544, MONDO:0004994, HP:0001638. Inheritance: Various modes of inheritance.
Catecholaminergic polymorphic ventricular tachycardia 1. Also called: RYR2-Related Catecholaminergic Polymorphic Ventricular Tachycardia; VENTRICULAR TACHYCARDIA, CATECHOLAMINERGIC POLYMORPHIC, 1, WITH OR WITHOUT ATRIAL DYSFUNCTION AND/OR DILATED CARDIOMYOPATHY; VENTRICULAR TACHYCARDIA, STRESS-INDUCED POLYMORPHIC 1. Identifiers: Orphanet 3286, MedGen C1631597, MONDO:0011484, OMIM 604772.

Allele frequency attached by ClinVar (database versions not stated): gnomAD exomes 0.00001; TOPMed 0.00001; ExAC 0.00002.
gnomAD v4.1: 14 of 1,613,908 alleles (0.00087%); highest among the groups gnomAD compares: Middle Eastern, 0.017%; no homozygotes.

Submissions (4):

Labcorp Genetics (formerly Invitae), Labcorp
Classification: Likely benign for Catecholaminergic polymorphic ventricular tachycardia 1. Last evaluated: 2025-11-06. Review status: criteria provided, single submitter. Criteria: Invitae Variant Classification Sherloc (09022015). Collection method: clinical testing. Allele origin: germline.

All of Us Research Program, National Institutes of Health
Classification: Likely benign for Catecholaminergic polymorphic ventricular tachycardia. Last evaluated: 2023-10-02. Review status: criteria provided, single submitter. Criteria: ACMG Guidelines, 2015. Collection method: clinical testing. Allele origin: germline. Inheritance: Autosomal dominant inheritance. Observed: 1 variant allele, 1 heterozygote.
Comment: This study involves interpretation of variants in research participants for the purpose of population health screening. Participant phenotype was not available at the time of variant classification. Additional details can be found in publication PMID: 35346344, PMCID: PMC8962531

Color Diagnostics, LLC DBA Color Health
Classification: Likely benign for Cardiomyopathy. Last evaluated: 2018-11-09. Review status: criteria provided, single submitter. Criteria: ACMG Guidelines, 2015. Collection method: clinical testing. Allele origin: germline.

Ambry Genetics
Classification: Likely benign for Cardiovascular phenotype. Last evaluated: 2017-06-14. Review status: criteria provided, single submitter. Criteria: Ambry Variant Classification Scheme 2023. Collection method: clinical testing. Allele origin: germline.